The following is an entry in ClinVar:

NM_000257.4(MYH7):c.3320A>C (p.Lys1107Thr)

Gene: MYH7 (myosin heavy chain 7; minus strand). Cytogenetic location: 14q11.2.
Variant type: single nucleotide variant.
Coding change: c.3320A>C on transcript NM_000257.4 (MANE Select); coding-DNA position 3320, A replaced by C.
Protein change: p.Lys1107Thr; replaces lysine 1107 with threonine.
Molecular consequence: missense variant.
Genome position (GRCh38, 1-based): chr14:23,420,974, T>G on the plus strand (A>C on the coding strand, the complement: MYH7 is on the minus strand). VCF-style: chr14-23420974-T-G. GRCh37 (hg19) VCF-style: chr14-23890183-T-G.
Other names: c.3320A>C (LRG_384t1); short protein forms K1107T.
Identifiers: ClinVar variation 263955 (VCV000263955.11), dbSNP rs886038988, ClinGen allele CA10587771.

ClinVar aggregate classification (germline): Uncertain significance. Review status: criteria provided, multiple submitters, no conflicts (2 of 4 stars). 4 submissions from 4 submitters: Uncertain significance (4). Last evaluated 2024-10-05.

Conditions:
Cardiovascular phenotype. Identifiers: MedGen CN230736.
Cardiomyopathy (CMYO). Also called: Cardiomyopathies. Identifiers: Orphanet 167848, MedGen C0878544, MONDO:0004994, HP:0001638. Inheritance: Various modes of inheritance.
Hypertrophic cardiomyopathy. Also called: HYPERTROPHIC MYOCARDIOPATHY. Identifiers: Orphanet 217569, MedGen C0007194, MeSH D002312, MONDO:0005045, HP:0001639.

Allele frequency attached by ClinVar (database versions not stated): gnomAD exomes 0.00001.
gnomAD v4.1: 3 of 1,612,328 alleles (0.00019%); highest among the groups gnomAD compares: Non-Finnish European, 0.00025%; no homozygotes.

Submissions (4):

Labcorp Genetics (formerly Invitae), Labcorp
Classification: Uncertain significance for Hypertrophic cardiomyopathy. Last evaluated: 2024-10-05. Review status: criteria provided, single submitter. Criteria: Invitae Variant Classification Sherloc (09022015). Collection method: clinical testing. Allele origin: germline.
Comment: This sequence change replaces lysine, which is basic and polar, with threonine, which is neutral and polar, at codon 1107 of the MYH7 protein (p.Lys1107Thr). This variant is not present in population databases (gnomAD no frequency). This variant has not been reported in the literature in individuals affected with MYH7-related conditions. ClinVar contains an entry for this variant (Variation ID: 263955). Invitae Evidence Modeling of protein sequence and biophysical properties (such as structural, functional, and spatial information, amino acid conservation, physicochemical variation, residue mobility, and thermodynamic stability) indicates that this missense variant is expected to disrupt MYH7 protein function with a positive predictive value of 95%. In summary, the available evidence is currently insufficient to determine the role of this variant in disease. Therefore, it has been classified as a Variant of Uncertain Significance.

All of Us Research Program, National Institutes of Health
Classification: Uncertain significance for Cardiomyopathy. Last evaluated: 2023-02-24. Review status: criteria provided, single submitter. Criteria: ACMG Guidelines, 2015. Collection method: clinical testing. Allele origin: germline. Inheritance: Autosomal dominant inheritance. Observed: 1 variant allele, 1 heterozygote.
Comment: This missense variant replaces lysine with threonine at codon 1107 of the MYH7 protein. Computational prediction suggests that this variant may have deleterious impact on protein structure and function (internally defined REVEL score threshold >= 0.7, PMID: 27666373). To our knowledge, functional studies have not been reported for this variant. This variant has not been reported in individuals affected with MYH7-related disorders in the literature. This variant has not been identified in the general population by the Genome Aggregation Database (gnomAD). The available evidence is insufficient to determine the role of this variant in disease conclusively. Therefore, this variant is classified as a Variant of Uncertain Significance.

This study involves interpretation of variants in research participants for the purpose of population health screening. Participant phenotype was not available at the time of variant classification. Additional details can be found in publication PMID: 35346344, PMCID: PMC8962531

Blueprint Genetics
Classification: Uncertain significance. Last evaluated: 2021-06-11. Review status: criteria provided, single submitter. Criteria: ACMG Guidelines, 2015. Collection method: clinical testing. Allele origin: germline.

Ambry Genetics
Classification: Uncertain significance for Cardiovascular phenotype. Last evaluated: 2015-03-17. Review status: criteria provided, single submitter. Criteria: Ambry Variant Classification Scheme 2023. Collection method: clinical testing. Allele origin: germline.
Comment: The p.K1107T variant (also known as c.3320A>C), located in coding exon 24 of the MYH7 gene, results from an A to C substitution at nucleotide position 3320. The lysine at codon 1107 is replaced by threonine, an amino acid with similar properties. This amino acid position is highly conserved in available vertebrate species. In addition, the in silico prediction for this alteration is inconclusive. Since supporting evidence is limited at this time, the clinical significance of this alteration remains unclear.